The following is an entry in ClinVar:

NM_016648.4(LARP7):c.660_664del (p.Lys221fs)

Genes: LARP7 (La ribonucleoprotein 7, transcriptional regulator; plus strand), MIR302CHG (miR-302/367 cluster host gene; minus strand). Cytogenetic location: 4q25.
Variant type: Deletion.
Coding change: c.660_664del on transcript NM_016648.4 (MANE Select); coding-DNA positions 660 to 664, 5 bases deleted (GAAAA; older notation c.660_664delGAAAA).
Protein change: p.Lys221fs; shifts the reading frame from lysine 221.
Molecular consequence: frameshift variant.
Genome position (GRCh38, 1-based): chr4:112,647,212-112,647,216, GAAAA deleted; deleting any 5 consecutive bases within chr4:112,647,208-112,647,216 gives the same sequence; the c. name uses the placement nearest the transcript's 3' end. VCF-style (leftmost placement, unchanged base first): chr4-112647207-AAAAAG-A. GRCh37 (hg19) VCF-style: chr4-113568363-AAAAAG-A.
Other names: c.660_664del, p.Lys221fs (NM_001267039.4, NM_001370974.1, NM_001370975.1 and 2 more transcripts); c.657_661del, p.Lys220fs (NM_001370976.1, NM_001370977.1, NM_001370979.1 and 1 more transcripts); c.423_427del, p.Lys142fs (NM_001370981.1, NM_001370982.1); short protein forms K220fs, K221fs, K142fs.
Identifiers: ClinVar variation 4721951 (VCV004721951.1).
Genomic context (GRCh38, chr4:112,647,207, plus strand): 5'-TAAATAGGTGTAGTTGAAGTAAGATGAACTAATAATGATGGCACTTTTACAGAAGAGAAG[AAAAAG>A]AAAAAGAAGAAGAAAGGCCGAATGAAAAAGGAAGACAATATCCAAGCCAAAGAAGAAAAC-3'

ClinVar aggregate classification (germline): Pathogenic (1 of 4 stars; one submission).

Submission:

Labcorp Genetics (formerly Invitae), Labcorp
Classification: Pathogenic. Last evaluated: 2025-07-01. Review status: criteria provided, single submitter. Criteria: Invitae Variant Classification Sherloc (09022015). Collection method: clinical testing. Allele origin: germline.
Comment: This sequence change creates a premature translational stop signal (p.Lys221Glufs*28) in the LARP7 gene. It is expected to result in an absent or disrupted protein product. Loss-of-function variants in LARP7 are known to be pathogenic (PMID: 22865833, 26374271, 26607181). This variant is not present in population databases (gnomAD no frequency). This variant has not been reported in the literature in individuals affected with LARP7-related conditions. For these reasons, this variant has been classified as Pathogenic.

Literature cited by the submitters: PubMed 22865833; PubMed 26374271; PubMed 26607181.